The following is an entry in ClinVar:

NM_001797.4(CDH11):c.508G>C (p.Glu170Gln)

Gene: CDH11 (cadherin 11; minus strand). Cytogenetic location: 16q21.
Variant type: single nucleotide variant.
Coding change: c.508G>C on transcript NM_001797.4 (MANE Select); coding-DNA position 508, G replaced by C.
Protein change: p.Glu170Gln; replaces glutamic acid 170 with glutamine.
Molecular consequence: missense variant.
Genome position (GRCh38, 1-based): chr16:64,998,577, C>G on the plus strand (G>C on the coding strand, the complement: CDH11 is on the minus strand). VCF-style: chr16-64998577-C-G. GRCh37 (hg19) VCF-style: chr16-65032480-C-G.
Other names: c.508G>C, p.Glu170Gln (NM_001308392.2); c.130G>C, p.Glu44Gln (NM_001330576.2); short protein forms E170Q, E44Q.
Identifiers: ClinVar variation 3376913 (VCV003376913.1).

ClinVar aggregate classification (germline): Uncertain significance (1 of 4 stars; one submission).

Conditions:
Elsahy-Waters syndrome. Also called: Hypospadias, hypertelorism, upper lid coloboma, and mixed-type hearing loss; BSG SYNDROME. Identifiers: Orphanet 1299, Orphanet 157788, MedGen C0809936, MONDO:0008885, OMIM 211380.

Submission:

Victorian Clinical Genetics Services, Murdoch Childrens Research Institute
Classification: Uncertain significance for Elsahy-Waters syndrome. Last evaluated: 2023-07-17. Review status: criteria provided, single submitter. Criteria: ACMG Guidelines, 2015. Collection method: clinical testing. Allele origin: germline. Inheritance: Autosomal dominant inheritance. Affected: yes.
Comment: Based on the classification scheme VCGS_Germline_v1.3.4, this variant is classified as VUS-3C. Following criteria are met: 0103 - Dominant negative and loss of function are known mechanisms of disease in this gene and are associated with CDH11-related Teebi hypertelorism syndrome (THS; PMID: 33811546) and Elsahy-Waters syndrome (EWS; MIM#211380), respectively. (I) 0108 - This gene is associated with both recessive and dominant disease. EWS is associated with biallelic inheritance (OMIM), whereas THS is caused by monoallelic variants (PMID: 33811546). (I) 0115 - Variants in this gene are known to have variable expressivity. THS is a less severe and more variable phenotype than EWS, and only some individuals have presented with developmental delay and heart defects (PMID: 33811546). (I) 0200 - Variant is predicted to result in a missense amino acid change from glutamic acid to glutamine. (I) 0251 - This variant is heterozygous. (I) 0301 - Variant is absent from gnomAD (both v2 and v3). (SP) 0502 - Missense variant with conflicting in silico predictions and high conservation. (I) 0600 - Variant is located in the annotated Cadherin domain (DECIPHER). (I) 0705 - No comparable missense variants have previous evidence for pathogenicity. (I) 0807 - This variant has no previous evidence of pathogenicity. (I) 0905 - No published segregation evidence has been identified for this variant. (I) 1007 - No published functional evidence has been identified for this variant. (I) 1208 - Inheritance information for this variant is not currently available in this individual. (I) Legend: (SP) - Supporting pathogenic, (I) - Information, (SB) - Supporting benign

Literature cited by the submitters: PubMed 33811546.